The following is an entry in ClinVar:

ClinVar aggregate classification (germline): Uncertain significance (1 of 4 stars; one submission).

Conditions:
Ichthyosis linearis circumflexa. Identifiers: MedGen C0265962, MONDO:0043106, HP:0025810.

Allele frequency attached by ClinVar (database versions not stated): TOPMed below 0.00001; gnomAD exomes 0.00001.
gnomAD v4.1: 11 of 1,612,286 alleles (0.00068%); highest among the groups gnomAD compares: African/African-American, 0.0027%; no homozygotes.

Submission:

Labcorp Genetics (formerly Invitae), Labcorp
Classification: Uncertain significance for Ichthyosis linearis circumflexa. Last evaluated: 2024-11-04. Review status: criteria provided, single submitter. Criteria: Invitae Variant Classification Sherloc (09022015). Collection method: clinical testing. Allele origin: germline.
Comment: This sequence change replaces arginine, which is basic and polar, with histidine, which is basic and polar, at codon 319 of the SPINK5 protein (p.Arg319His). This variant is not present in population databases (gnomAD no frequency). This variant has not been reported in the literature in individuals affected with SPINK5-related conditions. ClinVar contains an entry for this variant (Variation ID: 1496854). Invitae Evidence Modeling of protein sequence and biophysical properties (such as structural, functional, and spatial information, amino acid conservation, physicochemical variation, residue mobility, and thermodynamic stability) indicates that this missense variant is not expected to disrupt SPINK5 protein function with a negative predictive value of 80%. In summary, the available evidence is currently insufficient to determine the role of this variant in disease. Therefore, it has been classified as a Variant of Uncertain Significance.

NM_006846.4(SPINK5):c.956G>A (p.Arg319His)

Gene: SPINK5 (serine peptidase inhibitor Kazal type 5; plus strand). Cytogenetic location: 5q32.
Variant type: single nucleotide variant.
Coding change: c.956G>A on transcript NM_006846.4 (MANE Select); coding-DNA position 956, G replaced by A.
Protein change: p.Arg319His; replaces arginine 319 with histidine.
Molecular consequence: missense variant.
Genome position (GRCh38, 1-based): chr5:148,097,940, G>A. VCF-style: chr5-148097940-G-A. GRCh37 (hg19) VCF-style: chr5-147477503-G-A.
Other names: c.956G>A, p.Arg319His (NM_001127698.2, NM_001127699.2); short protein forms R319H.
Identifiers: ClinVar variation 1496854 (VCV001496854.6), dbSNP rs1414114854, ClinGen allele CA361635250.